The following is an entry in ClinVar:

ClinVar aggregate classification (germline): Pathogenic/Likely pathogenic. Review status: criteria provided, multiple submitters, no conflicts (2 of 4 stars). 3 submissions from 3 submitters: Pathogenic (2); Likely pathogenic (1). Last evaluated 2026-07-28.

Conditions:
MYO15A-related disorder. Also called: MYO15A-related condition.
Inborn genetic diseases. Identifiers: MedGen C0950123, MeSH D030342.

Submissions (3):

PreventionGenetics, part of Exact Sciences
Classification: Likely pathogenic for MYO15A-related condition. Last evaluated: 2026-07-28. Review status: criteria provided, single submitter. Criteria: ACMG Guidelines, 2015. Collection method: clinical testing. Allele origin: germline.
Comment: The MYO15A c.4057delC variant is predicted to result in a frameshift and premature protein termination (p.Leu1353Trpfs*31). To our knowledge, this variant has not been reported in the literature. This variant is reported in 0.035% of alleles in individuals of Latino descent in gnomAD. Frameshift variants in MYO15A are expected to be pathogenic. This variant is interpreted as likely pathogenic.

Labcorp Genetics (formerly Invitae), Labcorp
Classification: Pathogenic. Last evaluated: 2024-02-29. Review status: criteria provided, single submitter. Criteria: Invitae Variant Classification Sherloc (09022015). Collection method: clinical testing. Allele origin: germline.
Comment: This sequence change creates a premature translational stop signal (p.Leu1353Serfs*31) in the MYO15A gene. It is expected to result in an absent or disrupted protein product. Loss-of-function variants in MYO15A are known to be pathogenic (PMID: 17546645). This variant is present in population databases (rs770991317, gnomAD 0.03%). This variant has not been reported in the literature in individuals affected with MYO15A-related conditions. ClinVar contains an entry for this variant (Variation ID: 985997). For these reasons, this variant has been classified as Pathogenic.

Ambry Genetics
Classification: Pathogenic for Inborn genetic diseases. Last evaluated: 2016-06-16. Review status: criteria provided, single submitter. Criteria: Ambry exome assertion method (8-5-2015). Collection method: clinical testing. Allele origin: germline. Affected: yes. Observed: 1 variant allele.

Literature cited by the submitters: PubMed 17546645 (cited by Labcorp Genetics (formerly Invitae), Labcorp).

NM_016239.4(MYO15A):c.4057del (p.Leu1353fs)

Gene: MYO15A (myosin XVA; plus strand). Cytogenetic location: 17p11.2.
Variant type: Deletion.
Coding change: c.4057del on transcript NM_016239.4 (MANE Select); coding-DNA position 4057, one base deleted (C; older notation c.4057delC).
Protein change: p.Leu1353fs; shifts the reading frame from leucine 1353.
Molecular consequence: frameshift variant.
Genome position (GRCh38, 1-based): chr17:18,131,257, C deleted; the last of 4 consecutive C bases (chr17:18,131,254-18,131,257); deleting any one gives the same sequence. VCF-style (leftmost placement, unchanged base first): chr17-18131253-AC-A. GRCh37 (hg19) VCF-style: chr17-18034567-AC-A.
Other names: short protein forms L1353fs.
Identifiers: ClinVar variation 985997 (VCV000985997.8), dbSNP rs770991317, ClinGen allele CA8423759.